The following is an entry in ClinVar:

ClinVar aggregate classification (germline): Likely benign (1 of 4 stars; one submission).

Allele frequency attached by ClinVar (database versions not stated): gnomAD exomes 0.00001; ExAC 0.00002; gnomAD 0.00002; ESP Exome Variant Server 0.00008; 1000 Genomes Project 30x 0.00031; 1000 Genomes Project 0.00040.
gnomAD v4.1: 21 of 1,613,728 alleles (0.0013%); highest among the groups gnomAD compares: Middle Eastern, 0.016%; no homozygotes.

Submission:

CeGaT Center for Human Genetics Tuebingen
Classification: Likely benign. Last evaluated: 2023-09-01. Review status: criteria provided, single submitter. Criteria: CeGaT Center For Human Genetics Tuebingen Variant Classification Criteria Version 2. Collection method: clinical testing. Allele origin: germline. Affected: yes. Observed: 1 variant allele.
Comment: FRY: BP4, BP7

NM_023037.3(FRY):c.6771C>T (p.Val2257=)

Gene: FRY (FRY microtubule binding protein; plus strand). Cytogenetic location: 13q13.1.
Variant type: single nucleotide variant.
Coding change: c.6771C>T on transcript NM_023037.3 (MANE Select); coding-DNA position 6771, C replaced by T.
Protein change: p.Val2257=; no amino-acid change (valine 2257 retained).
Molecular consequence: synonymous variant.
Genome position (GRCh38, 1-based): chr13:32,244,125, C>T. VCF-style: chr13-32244125-C-T. GRCh37 (hg19) VCF-style: chr13-32818262-C-T.
Other names: c.6771C>T, p.Val2257= (NM_001411012.1).
Identifiers: ClinVar variation 2643727 (VCV002643727.24), dbSNP rs146000974, ClinGen allele CA6939530.
Genomic context (GRCh38, chr13:32,244,125, plus strand): 5'-TGTGCAGCAGCCCCTGCTCCAGGTGATCTACAGTCTTCTCAGCTACATGGACCTTTCTGT[C>T]GTTCCTGTCAAACAGTTCAATGTGGAAGTTCTGAAGACAATTGAAAAATATGTGCAAGTG-3'
Protein context (NP_075463.2, residues 2247-2267): YSLLSYMDLS[Val2257=]VPVKQFNVEV